The following is an entry in ClinVar:

ClinVar aggregate classification (germline): Uncertain significance (1 of 4 stars; one submission).

Conditions:
CDH2-related disorder. Also called: CDH2-related condition.

Allele frequency attached by ClinVar (database versions not stated): gnomAD exomes below 0.00001; gnomAD 0.00001.
gnomAD v4.1: 6 of 1,611,418 alleles (0.00037%); highest among the groups gnomAD compares: Non-Finnish European, 0.00051%; no homozygotes.

Submission:

PreventionGenetics, part of Exact Sciences
Classification: Uncertain significance for CDH2-related condition. Last evaluated: 2025-10-21. Review status: criteria provided, single submitter. Criteria: ACMG Guidelines, 2015. Collection method: clinical testing. Allele origin: germline.
Comment: The CDH2 c.2007A>T variant is predicted to result in the amino acid substitution p.Lys669Asn. To our knowledge, this variant has not been reported in the literature. This variant is reported in 0.0018% of alleles in individuals of European (non-Finnish) descent in gnomAD. At this time, the clinical significance of this variant is uncertain due to the absence of conclusive functional and genetic evidence.

NM_001792.5(CDH2):c.2007A>T (p.Lys669Asn)

Gene: CDH2 (cadherin 2; minus strand). Cytogenetic location: 18q12.1.
Variant type: single nucleotide variant.
Coding change: c.2007A>T on transcript NM_001792.5 (MANE Select); coding-DNA position 2007, A replaced by T.
Protein change: p.Lys669Asn; replaces lysine 669 with asparagine.
Molecular consequence: missense variant.
Genome position (GRCh38, 1-based): chr18:27,985,202, T>A on the plus strand (A>T on the coding strand, the complement: CDH2 is on the minus strand). VCF-style: chr18-27985202-T-A. GRCh37 (hg19) VCF-style: chr18-25565166-T-A.
Other names: c.1914A>T, p.Lys638Asn (NM_001308176.2); short protein forms K638N, K669N.
Identifiers: ClinVar variation 2631033 (VCV002631033.2), dbSNP rs1418219005, ClinGen allele CA402107066.